The following is an entry in ClinVar:

ClinVar aggregate classification (germline): Uncertain significance (1 of 4 stars; one submission).

Allele frequency attached by ClinVar (database versions not stated): gnomAD 0.00001; gnomAD exomes 0.00002 and 0.00006.
gnomAD v4.1: 14 of 1,551,426 alleles (0.0009%); highest among the groups gnomAD compares: Admixed American, 0.024%; no homozygotes.

Submission:

Labcorp Genetics (formerly Invitae), Labcorp
Classification: Uncertain significance. Last evaluated: 2025-05-22. Review status: criteria provided, single submitter. Criteria: Invitae Variant Classification Sherloc (09022015). Collection method: clinical testing. Allele origin: germline.
Comment: This sequence change replaces leucine, which is neutral and non-polar, with valine, which is neutral and non-polar, at codon 418 of the KPNA7 protein (p.Leu418Val). This variant is present in population databases (rs796976905, gnomAD 0.03%). This variant has not been reported in the literature in individuals affected with KPNA7-related conditions. ClinVar contains an entry for this variant (Variation ID: 1402563). Invitae Evidence Modeling of protein sequence and biophysical properties (such as structural, functional, and spatial information, amino acid conservation, physicochemical variation, residue mobility, and thermodynamic stability) has been performed for this missense variant. However, the output from this modeling did not meet the statistical confidence thresholds required to predict the impact of this variant on KPNA7 protein function. In summary, the available evidence is currently insufficient to determine the role of this variant in disease. Therefore, it has been classified as a Variant of Uncertain Significance.

NM_001145715.3(KPNA7):c.1252C>G (p.Leu418Val)

Gene: KPNA7 (karyopherin subunit alpha 7; minus strand). Cytogenetic location: 7q22.1.
Variant type: single nucleotide variant.
Coding change: c.1252C>G on transcript NM_001145715.3 (MANE Select); coding-DNA position 1252, C replaced by G.
Protein change: p.Leu418Val; replaces leucine 418 with valine.
Molecular consequence: missense variant.
Genome position (GRCh38, 1-based): chr7:99,181,948, G>C on the plus strand (C>G on the coding strand, the complement: KPNA7 is on the minus strand). VCF-style: chr7-99181948-G-C. GRCh37 (hg19) VCF-style: chr7-98779571-G-C.
Other names: short protein forms L418V.
Identifiers: ClinVar variation 1402563 (VCV001402563.6), dbSNP rs796976905, ClinGen allele CA163744980.